The following is an entry in ClinVar:

NM_000059.4(BRCA2):c.4705T>A (p.Tyr1569Asn)

Gene: BRCA2 (BRCA2 DNA repair associated; plus strand). Cytogenetic location: 13q13.1.
Variant type: single nucleotide variant.
Coding change: c.4705T>A on transcript NM_000059.4 (MANE Select); coding-DNA position 4705, T replaced by A.
Protein change: p.Tyr1569Asn; replaces tyrosine 1569 with asparagine.
Molecular consequence: missense variant.
Genome position (GRCh38, 1-based): chr13:32,339,060, T>A. VCF-style: chr13-32339060-T-A. GRCh37 (hg19) VCF-style: chr13-32913197-T-A.
Other names: short protein forms Y1569N.
Identifiers: ClinVar variation 1053150 (VCV001053150.10), dbSNP rs2137509279, ClinGen allele CA387782910.

ClinVar aggregate classification (germline): Conflicting classifications of pathogenicity. Review status: criteria provided, conflicting classifications (1 of 4 stars). 2 submissions from 2 submitters: Uncertain significance (1); Likely benign (1). Last evaluated 2023-03-23.

Conditions:
Hereditary cancer-predisposing syndrome. Also called: Tumor predisposition; Hereditary neoplastic syndrome; Hereditary Cancer Syndrome; Neoplastic Syndromes, Hereditary. Identifiers: Orphanet 140162, MedGen C0027672, MeSH D009386, MONDO:0015356.
Hereditary breast ovarian cancer syndrome. Also called: Hereditary breast and ovarian cancer syndrome; Hereditary breast and ovarian cancer; Hereditary breast and ovarian cancer syndrome (HBOC); BRCA1- and BRCA2-Associated Hereditary Breast and Ovarian Cancer; Hereditary breast and/or ovarian cancer syndrome; Breast and ovarian cancer. Identifiers: Orphanet 145, MedGen C0677776, MeSH D061325, MONDO:0003582. Disease mechanism: loss of function.

Allele frequency attached by ClinVar (database versions not stated): gnomAD exomes below 0.00001.
gnomAD v4.1: 1 of 1,613,994 alleles (0.000062%); highest among the groups gnomAD compares: Non-Finnish European, 0.000085%; no homozygotes.

Submissions (2):

University of Washington Department of Laboratory Medicine, University of Washington
Classification: Likely benign for Hereditary cancer-predisposing syndrome. Last evaluated: 2023-03-23. Review status: criteria provided, single submitter. Criteria: Dines et al. (Genet Med. 2020). Collection method: curation. Allele origin: germline.
Comment: Missense variant in a coldspot region where missense variants are very unlikely to be pathogenic (PMID:31911673).

BRCA2 exon 11 coldspot. Reclassification based on statistical prior probability.

Labcorp Genetics (formerly Invitae), Labcorp
Classification: Uncertain significance for Hereditary breast ovarian cancer syndrome. Last evaluated: 2020-07-13. Review status: criteria provided, single submitter. Criteria: Invitae Variant Classification Sherloc (09022015). Collection method: clinical testing. Allele origin: germline.
Comment: This variant is not present in population databases (ExAC no frequency). This variant has not been reported in the literature in individuals with BRCA2-related conditions. Algorithms developed to predict the effect of missense changes on protein structure and function output the following: SIFT: "Tolerated"; PolyPhen-2: "Benign"; Align-GVGD: "Class C0". The asparagine amino acid residue is found in multiple mammalian species, suggesting that this missense change does not adversely affect protein function. These predictions have not been confirmed by published functional studies and their clinical significance is uncertain. In summary, the available evidence is currently insufficient to determine the role of this variant in disease. Therefore, it has been classified as a Variant of Uncertain Significance. This sequence change replaces tyrosine with asparagine at codon 1569 of the BRCA2 protein (p.Tyr1569Asn). The tyrosine residue is weakly conserved and there is a large physicochemical difference between tyrosine and asparagine.